The following is an entry in ClinVar:

ClinVar aggregate classification (germline): Uncertain significance (1 of 4 stars; one submission).

Submission:

Labcorp Genetics (formerly Invitae), Labcorp
Classification: Uncertain significance. Last evaluated: 2025-07-27. Review status: criteria provided, single submitter. Criteria: Invitae Variant Classification Sherloc (09022015). Collection method: clinical testing. Allele origin: germline.
Comment: This sequence change replaces aspartic acid, which is acidic and polar, with tyrosine, which is neutral and polar, at codon 606 of the TNNI3K protein (p.Asp606Tyr). This variant is present in population databases (no rsID available, gnomAD 0.003%). This variant has not been reported in the literature in individuals affected with TNNI3K-related conditions. ClinVar contains an entry for this variant (Variation ID: 1965040). An algorithm developed to predict the effect of missense changes on protein structure and function (PolyPhen-2) suggests that this variant is likely to be disruptive. In summary, the available evidence is currently insufficient to determine the role of this variant in disease. Therefore, it has been classified as a Variant of Uncertain Significance.

NM_015978.3(TNNI3K):c.1816G>T (p.Asp606Tyr)

Genes: FPGT-TNNI3K (FPGT-TNNI3K readthrough; plus strand), TNNI3K (TNNI3 interacting kinase; plus strand). Cytogenetic location: 1p31.1.
Variant type: single nucleotide variant.
Coding change: c.1816G>T on transcript NM_015978.3 (MANE Select); coding-DNA position 1816, G replaced by T.
Protein change: p.Asp606Tyr; replaces aspartic acid 606 with tyrosine.
Molecular consequence: missense variant.
Genome position (GRCh38, 1-based): chr1:74,436,123, G>T. VCF-style: chr1-74436123-G-T. GRCh37 (hg19) VCF-style: chr1-74901807-G-T.
Other names: c.2119G>T, p.Asp707Tyr (NM_001112808.3, NM_001199327.2); short protein forms D707Y, D606Y.
Identifiers: ClinVar variation 1965040 (VCV001965040.5), dbSNP rs746671271, ClinGen allele CA340788804.